The following is an entry in ClinVar:

NM_000040.3(APOC3):c.90_95dup (p.Phe31_Met32insIlePhe)

Gene: APOC3 (apolipoprotein C3; plus strand). Cytogenetic location: 11q23.3.
Variant type: Duplication.
Coding change: c.90_95dup on transcript NM_000040.3 (MANE Select); coding-DNA positions 90 to 95, 6 bases duplicated (CTTCAT; older notation c.90_95dupCTTCAT).
Protein change: p.Phe31_Met32insIlePhe.
Molecular consequence: inframe insertion.
Genome position (GRCh38, 1-based): chr11:116,830,807-116,830,812, CTTCAT duplicated. VCF-style (leftmost placement, unchanged base first): chr11-116830806-G-GCTTCAT. GRCh37 (hg19) VCF-style: chr11-116701522-G-GCTTCAT.
Identifiers: ClinVar variation 1765432 (VCV001765432.2), dbSNP rs1941437848, ClinGen allele CA942637612.

ClinVar aggregate classification (germline): Uncertain significance (1 of 4 stars; one submission).

Conditions:
Cardiovascular phenotype. Identifiers: MedGen CN230736.

Allele frequency attached by ClinVar (database versions not stated): TOPMed below 0.00001; gnomAD 0.00001; gnomAD exomes 0.00003.

Submission:

Ambry Genetics
Classification: Uncertain significance for Cardiovascular phenotype. Last evaluated: 2022-03-02. Review status: criteria provided, single submitter. Criteria: Ambry Variant Classification Scheme 2023. Collection method: clinical testing. Allele origin: germline.
Comment: The c.90_95dupCTTCAT variant (also known as p.F31_M32insIF), located in coding exon 2 of the APOC3 gene, results from an in-frame duplication of CTTCAT at nucleotide positions 90 to 95. This results in the insertion of 2 extra residues (isoleucine and phenylalanine) between codons 31 and 32. This amino acid region is not well conserved in available vertebrate species. In addition, this alteration is predicted to be deleterious by in silico analysis (Choi Y et al. PLoS ONE. 2012; 7(10):e46688). The evidence for this gene-disease relationship is limited; therefore, the clinical significance of this alteration is unclear.